The following is an entry in ClinVar:

ClinVar aggregate classification (germline): Uncertain significance. Review status: criteria provided, multiple submitters, no conflicts (2 of 4 stars). 2 submissions from 2 submitters: Uncertain significance (2). Last evaluated 2025-06-27.

Conditions:
Nephrolithiasis/nephrocalcinosis. Identifiers: MedGen CN580796.

Submissions (2):

GeneDx
Classification: Uncertain significance. Last evaluated: 2025-06-27. Review status: criteria provided, single submitter. Criteria: GeneDx Variant Classification Process June 2021. Collection method: clinical testing. Allele origin: germline. Affected: yes.
Comment: Not observed at significant frequency in large population cohorts (gnomAD); In silico analysis supports that this missense variant has a deleterious effect on protein structure/function; Has not been previously published as pathogenic or benign to our knowledge

Ambry Genetics
Classification: Uncertain significance for Nephrolithiasis/nephrocalcinosis. Last evaluated: 2025-04-02. Review status: criteria provided, single submitter. Criteria: Ambry Variant Classification Scheme 2023. Collection method: clinical testing. Allele origin: germline.

NM_000194.3(HPRT1):c.559T>G (p.Phe187Val)

Gene: HPRT1 (hypoxanthine phosphoribosyltransferase 1; plus strand). Cytogenetic location: Xq26.2.
Variant type: single nucleotide variant.
Coding change: c.559T>G on transcript NM_000194.3 (MANE Select); coding-DNA position 559, T replaced by G.
Protein change: p.Phe187Val; replaces phenylalanine 187 with valine.
Molecular consequence: missense variant.
Genome position (GRCh38, 1-based): chrX:134,498,634, T>G. VCF-style: chrX-134498634-T-G. GRCh37 (hg19) VCF-style: chrX-133632664-T-G.
Other names: short protein forms F187V.
Identifiers: ClinVar variation 4036146 (VCV004036146.2).